The following is an entry in ClinVar:

ClinVar aggregate classification (germline): Likely benign. Review status: criteria provided, multiple submitters, no conflicts (2 of 4 stars). 6 submissions from 6 submitters: Likely benign (6). Last evaluated 2026-01-24.

Conditions:
Familial thoracic aortic aneurysm and aortic dissection (TAAD). Also called: Thoracic aortic aneurysms and dissections. Identifiers: Orphanet 91387, MedGen C4707243, MONDO:0019625.
Marfan syndrome (MFS). Also called: FBN1-Related Marfan Syndrome; Marfan syndrome type 1; Marfan's syndrome; Marfan syndrome, classic; MARFAN SYNDROME, TYPE I. Identifiers: Orphanet 284963, Orphanet 558, MedGen C0024796, MONDO:0007947, OMIM 154700.

Allele frequency attached by ClinVar (database versions not stated): gnomAD exomes 0.00001 and 0.00003; gnomAD 0.00002; ExAC 0.00001; TOPMed 0.00002.
gnomAD v4.1: 46 of 1,612,878 alleles (0.0029%); highest among the groups gnomAD compares: Non-Finnish European, 0.0035%; no homozygotes.

Submissions (6):

Labcorp Genetics (formerly Invitae), Labcorp
Classification: Likely benign for Marfan syndrome; Familial thoracic aortic aneurysm and aortic dissection. Last evaluated: 2026-01-24. Review status: criteria provided, single submitter. Criteria: Invitae Variant Classification Sherloc (09022015). Collection method: clinical testing. Allele origin: germline.

All of Us Research Program, National Institutes of Health
Classification: Likely benign for Marfan syndrome. Last evaluated: 2023-06-28. Review status: criteria provided, single submitter. Criteria: ACMG Guidelines, 2015. Collection method: clinical testing. Allele origin: germline. Inheritance: Autosomal dominant inheritance. Observed: 1 variant allele, 1 heterozygote.
Comment: This study involves interpretation of variants in research participants for the purpose of population health screening. Participant phenotype was not available at the time of variant classification. Additional details can be found in publication PMID: 35346344, PMCID: PMC8962531

Blueprint Genetics
Classification: Likely benign. Last evaluated: 2022-09-07. Review status: criteria provided, single submitter. Criteria: ACMG Guidelines, 2015. Collection method: clinical testing. Allele origin: germline.

Ambry Genetics
Classification: Likely benign for Familial thoracic aortic aneurysm and aortic dissection. Last evaluated: 2020-10-29. Review status: criteria provided, single submitter. Criteria: Ambry Variant Classification Scheme 2023. Collection method: clinical testing. Allele origin: germline.

Women's Health and Genetics/Laboratory Corporation of America, LabCorp
Classification: Likely benign. Last evaluated: 2019-08-28. Review status: criteria provided, single submitter. Criteria: LabCorp Variant Classification Summary - May 2015. Collection method: clinical testing. Allele origin: germline.

Color Diagnostics, LLC DBA Color Health
Classification: Likely benign for Familial thoracic aortic aneurysm and aortic dissection. Last evaluated: 2018-10-21. Review status: criteria provided, single submitter. Criteria: ACMG Guidelines, 2015. Collection method: clinical testing. Allele origin: germline.

NM_000138.5(FBN1):c.7683C>T (p.Thr2561=)

Gene: FBN1 (fibrillin 1; minus strand). Cytogenetic location: 15q21.1.
Variant type: single nucleotide variant.
Coding change: c.7683C>T on transcript NM_000138.5 (MANE Select); coding-DNA position 7683, C replaced by T.
Protein change: p.Thr2561=; no amino-acid change (threonine 2561 retained).
Molecular consequence: synonymous variant.
Genome position (GRCh38, 1-based): chr15:48,421,574, G>A on the plus strand (C>T on the coding strand, the complement: FBN1 is on the minus strand). VCF-style: chr15-48421574-G-A. GRCh37 (hg19) VCF-style: chr15-48713771-G-A.
Identifiers: ClinVar variation 632801 (VCV000632801.17), dbSNP rs758353830, ClinGen allele CA058993.